The following is an entry in ClinVar:

NM_007294.4(BRCA1):c.80+9G>C

Gene: BRCA1 (BRCA1 DNA repair associated; minus strand). Cytogenetic location: 17q21.31.
Variant type: single nucleotide variant.
Coding change: c.80+9G>C on transcript NM_007294.4 (MANE Select); 9 bases into the intron after coding-DNA position 80, G replaced by C.
Molecular consequence: intron variant.
Genome position (GRCh38, 1-based): chr17:43,124,008, C>G on the plus strand (G>C on the coding strand, the complement: BRCA1 is on the minus strand). VCF-style: chr17-43124008-C-G. GRCh37 (hg19) VCF-style: chr17-41276025-C-G.
Other names: c.-61-8229G>C (NM_001408458.1); c.-219+1269G>C (NM_001407967.1); c.-170+1269G>C (NM_001407959.1); c.-8+1269G>C (NM_001407931.1, NM_001407747.1); c.-224+1269G>C (NM_001407962.1, NM_001408512.1, NM_001408510.1); c.-109+1269G>C (NM_001407885.1); c.-62+1269G>C (NM_001408470.1, NM_001407848.1, NM_001407839.1 and 6 more transcripts); c.-178+1269G>C (NM_001407746.1); and 23 more.
Identifiers: ClinVar variation 378901 (VCV000378901.2), dbSNP rs1057520402, ClinGen allele CA16607648.

ClinVar aggregate classification (germline): Likely benign (1 of 4 stars; one submission).

Submission:

GeneDx
Classification: Likely benign. Last evaluated: 2015-11-16. Review status: criteria provided, single submitter. Criteria: GeneDx Variant Classification (06012015). Collection method: clinical testing. Allele origin: germline. Affected: yes.
Comment: This variant is considered likely benign or benign based on one or more of the following criteria: it is a conservative change, it occurs at a poorly conserved position in the protein, it is predicted to be benign by multiple in silico algorithms, and/or has population frequency not consistent with disease.